The following is an entry in ClinVar:

NM_000548.5(TSC2):c.691C>T (p.Leu231=)

Gene: TSC2 (TSC complex subunit 2; plus strand). Cytogenetic location: 16p13.3.
Variant type: single nucleotide variant.
Coding change: c.691C>T on transcript NM_000548.5 (MANE Select); coding-DNA position 691, C replaced by T.
Protein change: p.Leu231=; no amino-acid change (leucine 231 retained).
Molecular consequence: synonymous variant.
Genome position (GRCh38, 1-based): chr16:2,056,686, C>T. VCF-style: chr16-2056686-C-T. GRCh37 (hg19) VCF-style: chr16-2106687-C-T.
Other names: c.691C>T, p.Leu231= (NM_001077183.3, NM_001114382.3, NM_001363528.2 and 3 more transcripts); c.580C>T, p.Leu194= (NM_001318827.2); c.544C>T, p.Leu182= (NM_001318829.2); c.91C>T, p.Leu31= (NM_001318831.2); c.724C>T, p.Leu242= (NM_001318832.2).
Identifiers: ClinVar variation 468175 (VCV000468175.18), dbSNP rs1555498820, ClinGen allele CA492957099.

ClinVar aggregate classification (germline): Conflicting classifications of pathogenicity. Review status: criteria provided, conflicting classifications (1 of 4 stars). 6 submissions from 6 submitters: Uncertain significance (1); Benign (1); Likely benign (4). Last evaluated 2026-01-05.

Conditions:
Hereditary cancer-predisposing syndrome. Also called: Hereditary neoplastic syndrome; Neoplastic Syndromes, Hereditary; Tumor predisposition; Hereditary Cancer Syndrome. Identifiers: Orphanet 140162, MedGen C0027672, MeSH D009386, MONDO:0015356.
Tuberous sclerosis syndrome (TSC). Also called: Tuberous Sclerosis Complex; Tuberous sclerosis. Identifiers: Orphanet 805, MedGen C0041341, MONDO:0001734.
Tuberous sclerosis 2 (TSC2). Identifiers: Orphanet 805, MedGen C1860707, MONDO:0013199, OMIM 613254.

Allele frequency attached by ClinVar (database versions not stated): gnomAD exomes below 0.00001; gnomAD 0.00001; TOPMed 0.00001.

Submissions (6):

Labcorp Genetics (formerly Invitae), Labcorp
Classification: Likely benign for Tuberous sclerosis 2. Last evaluated: 2026-01-05. Review status: criteria provided, single submitter. Criteria: Invitae Variant Classification Sherloc (09022015). Collection method: clinical testing. Allele origin: germline.

Myriad Genetics, Inc.
Classification: Benign for Tuberous sclerosis 2. Last evaluated: 2025-05-09. Review status: criteria provided, single submitter. Criteria: Myriad Autosomal Dominant, Autosomal Recessive and X-Linked Classification Criteria (2023). Collection method: clinical testing. Allele origin: unknown.
Comment: This variant is considered benign. This variant is a silent/synonymous amino acid change and it is not expected to impact splicing.

All of Us Research Program, National Institutes of Health
Classification: Likely benign for Tuberous sclerosis syndrome. Last evaluated: 2024-08-13. Review status: criteria provided, single submitter. Criteria: ACMG Guidelines, 2015. Collection method: clinical testing. Allele origin: germline. Inheritance: Autosomal dominant inheritance. Observed: 1 variant allele, 1 heterozygote.
Comment: This study involves interpretation of variants in research participants for the purpose of population health screening. Participant phenotype was not available at the time of variant classification. Additional details can be found in publication PMID: 35346344, PMCID: PMC8962531

Quest Diagnostics Nichols Institute San Juan Capistrano
Classification: Uncertain significance. Last evaluated: 2024-07-29. Review status: criteria provided, single submitter. Criteria: Quest Diagnostics criteria. Collection method: clinical testing. Allele origin: unknown.

Color Diagnostics, LLC DBA Color Health
Classification: Likely benign for Tuberous sclerosis syndrome. Last evaluated: 2022-09-13. Review status: criteria provided, single submitter. Criteria: ACMG Guidelines, 2015. Collection method: clinical testing. Allele origin: germline.

Ambry Genetics
Classification: Likely benign for Hereditary cancer-predisposing syndrome. Last evaluated: 2021-03-09. Review status: criteria provided, single submitter. Criteria: Ambry Variant Classification Scheme 2023. Collection method: clinical testing. Allele origin: germline.